The following is an entry in ClinVar:

NM_015443.4(KANSL1):c.3193C>T (p.Arg1065Ter)

Gene: KANSL1 (KAT8 regulatory NSL complex subunit 1). Cytogenetic location: 17q21.31.
Variant type: single nucleotide variant.
Coding change: c.3193C>T on transcript NM_015443.4 (MANE Select); coding-DNA position 3193, C replaced by T.
Protein change: p.Arg1065Ter; replaces arginine 1065 with a stop codon.
Molecular consequence: nonsense.
Genome position (GRCh38, 1-based): chr17:46,031,601, G>A on the plus strand (C>T on the coding strand, the complement: KANSL1 is on the minus strand). VCF-style: chr17-46031601-G-A. GRCh37 (hg19) VCF-style: chr17-44108967-G-A.
Other names: c.3190C>T, p.Arg1064Ter (NM_001193465.2); c.3193C>T, p.Arg1065Ter (NM_001193466.2, NM_001379198.1); short protein forms R1064*, R1065*.
Identifiers: ClinVar variation 1204543 (VCV001204543.11), dbSNP rs2146300587, ClinGen allele CA399985975.

ClinVar aggregate classification (germline): Conflicting classifications of pathogenicity. Review status: criteria provided, conflicting classifications (1 of 4 stars). 2 submissions from 2 submitters: Uncertain significance (1); Likely benign (1). Last evaluated 2025-11-10.

Conditions:
Koolen-de Vries syndrome (KDVS). Identifiers: Orphanet 96169, MedGen C1864871, MONDO:0012496, OMIM 610443.

gnomAD v4.1: 2 of 1,614,114 alleles (0.00012%); highest among the groups gnomAD compares: East Asian, 0.0022%; no homozygotes.

Submissions (2):

Labcorp Genetics (formerly Invitae), Labcorp
Classification: Likely benign for Koolen-de Vries syndrome. Last evaluated: 2025-11-10. Review status: criteria provided, single submitter. Criteria: Invitae Variant Classification Sherloc (09022015). Collection method: clinical testing. Allele origin: germline.

GeneDx
Classification: Uncertain significance. Last evaluated: 2019-10-22. Review status: criteria provided, single submitter. Criteria: GeneDx Variant Classification Process June 2021. Collection method: clinical testing. Allele origin: germline. Affected: yes.
Comment: Not observed in large population cohorts (Lek et al., 2016); Nonsense variant predicted to result in protein truncation, although loss-of-function variants have not been reported downstream of this position in the protein; Has not been previously published as pathogenic or benign to our knowledge